The following is an entry in ClinVar:

ClinVar aggregate classification (germline): Pathogenic (1 of 4 stars; one submission).

Conditions:
Developmental and epileptic encephalopathy, 1 (DEE1). Also called: INFANTILE SPASM SYNDROME, X-LINKED 1; Epileptic encephalopathy, early infantile, 1; X-linked infantile spasms; West's syndrome; Tonic spasms with clustering, arrest of psychomotor development and hypsarrhythmia on EEG; X-Linked Infantile Spasm Syndrome. Identifiers: MedGen C3463992, MONDO:0010632, OMIM 308350. Disease mechanism: loss of function.
Intellectual disability, X-linked, with or without seizures, ARX-related. Also called: MENTAL RETARDATION, X-LINKED 29; MENTAL RETARDATION, X-LINKED 32; MENTAL RETARDATION, X-LINKED 33; MENTAL RETARDATION, X-LINKED 38; MENTAL RETARDATION, X-LINKED 43; MENTAL RETARDATION, X-LINKED 76. Identifiers: Orphanet 777, MedGen C0796244, MONDO:0010317, OMIM 300419.

Submission:

Labcorp Genetics (formerly Invitae), Labcorp
Classification: Pathogenic for Developmental and epileptic encephalopathy, 1; Intellectual disability, X-linked, with or without seizures, ARX-related. Last evaluated: 2022-03-07. Review status: criteria provided, single submitter. Criteria: Invitae Variant Classification Sherloc (09022015). Collection method: clinical testing. Allele origin: germline.
Comment: For these reasons, this variant has been classified as Pathogenic. This sequence change creates a premature translational stop signal (p.Val198Argfs*40) in the ARX gene. It is expected to result in an absent or disrupted protein product. Loss-of-function variants in ARX are known to be pathogenic (PMID: 19439424, 19738637). The frequency data for this variant in the population databases is considered unreliable, as metrics indicate insufficient coverage at this position in the gnomAD database. This variant has not been reported in the literature in individuals affected with ARX-related conditions.

Literature cited by the submitters: PubMed 19439424; PubMed 19738637.

NM_139058.3(ARX):c.590dup (p.Val198fs)

Gene: ARX (aristaless related homeobox; minus strand). Cytogenetic location: Xp21.3.
Variant type: Duplication.
Coding change: c.590dup on transcript NM_139058.3 (MANE Select); coding-DNA position 590, one base duplicated (G; older notation c.590dupG).
Protein change: p.Val198fs; shifts the reading frame from valine 198.
Molecular consequence: frameshift variant.
Genome position (GRCh38, 1-based): chrX:25,013,405, C duplicated on the plus strand (G on the coding strand, the reverse complement: ARX is on the minus strand); the first of 6 consecutive C bases (chrX:25,013,405-25,013,410); duplicating any one gives the same sequence. VCF-style (leftmost placement, unchanged base first): chrX-25013404-G-GC. GRCh37 (hg19) VCF-style: chrX-25031521-G-GC.
Other names: short protein forms V198fs.
Identifiers: ClinVar variation 2041609 (VCV002041609.4), dbSNP rs2519107008, ClinGen allele CA2508779922.